The following is an entry in ClinVar:

NM_001243279.3(ACSF3):c.1117C>G (p.Arg373Gly)

Genes: ACSF3 (acyl-CoA synthetase family member 3; plus strand), LOC125177393 (P300/CBP strongly-dependent group 1 enhancer GRCh37_chr16:89180375-89181574; plus strand). Cytogenetic location: 16q24.3.
Variant type: single nucleotide variant.
Coding change: c.1117C>G on transcript NM_001243279.3 (MANE Select); coding-DNA position 1117, C replaced by G.
Protein change: p.Arg373Gly; replaces arginine 373 with glycine.
Molecular consequence: missense variant. On other transcripts: non-coding transcript variant (2).
Genome position (GRCh38, 1-based): chr16:89,114,478, C>G. VCF-style: chr16-89114478-C-G. GRCh37 (hg19) VCF-style: chr16-89180886-C-G.
Other names: c.1117C>G, p.Arg373Gly (NM_001127214.4, NM_174917.5); c.322C>G, p.Arg108Gly (NM_001284316.2); short protein forms R108G, R373G.
Identifiers: ClinVar variation 1492991 (VCV001492991.5), dbSNP rs144907664, ClinGen allele CA8237974.

ClinVar aggregate classification (germline): Uncertain significance (1 of 4 stars; one submission).

Conditions:
Combined malonic and methylmalonic acidemia. Identifiers: Orphanet 289504, MedGen C3280314, MONDO:0013661, OMIM 614265.

gnomAD v4.1: 6 of 1,611,722 alleles (0.00037%); highest among the groups gnomAD compares: Admixed American, 0.005%; no homozygotes.

Submission:

Labcorp Genetics (formerly Invitae), Labcorp
Classification: Uncertain significance for Combined malonic and methylmalonic acidemia. Last evaluated: 2021-09-17. Review status: criteria provided, single submitter. Criteria: Invitae Variant Classification Sherloc (09022015). Collection method: clinical testing. Allele origin: germline.
Comment: This sequence change replaces arginine with glycine at codon 373 of the ACSF3 protein (p.Arg373Gly). The arginine residue is moderately conserved and there is a moderate physicochemical difference between arginine and glycine. This variant is present in population databases (rs144907664, ExAC 0.009%). This variant has not been reported in the literature in individuals with ACSF3-related conditions. Algorithms developed to predict the effect of missense changes on protein structure and function are either unavailable or do not agree on the potential impact of this missense change (SIFT: "Tolerated"; PolyPhen-2: "Probably Damaging"; Align-GVGD: "Class C0"). In summary, the available evidence is currently insufficient to determine the role of this variant in disease. Therefore, it has been classified as a Variant of Uncertain Significance.